The following is an entry in ClinVar:

NM_015311.3(OBSL1):c.5302C>T (p.Gln1768Ter)

Gene: OBSL1 (obscurin like cytoskeletal adaptor 1; minus strand). Cytogenetic location: 2q35.
Variant type: single nucleotide variant.
Coding change: c.5302C>T on transcript NM_015311.3 (MANE Select); coding-DNA position 5302, C replaced by T.
Protein change: p.Gln1768Ter; replaces glutamine 1768 with a stop codon.
Molecular consequence: nonsense.
Genome position (GRCh38, 1-based): chr2:219,552,542, G>A on the plus strand (C>T on the coding strand, the complement: OBSL1 is on the minus strand). VCF-style: chr2-219552542-G-A. GRCh37 (hg19) VCF-style: chr2-220417264-G-A.
Other names: short protein forms Q1768*.
Identifiers: ClinVar variation 5006226 (VCV005006226.2).

ClinVar aggregate classification (germline): Likely pathogenic (1 of 4 stars; one submission).

Conditions:
3M syndrome 2. Also called: 3-M Syndrome, OBSL1-Related; THREE M SYNDROME 2. Identifiers: Orphanet 2616, MedGen C2752041, MONDO:0013039, OMIM 612921.

Submission:

Juno Genomics, Hangzhou Juno Genomics, Inc
Classification: Likely pathogenic for 3M syndrome 2. Review status: criteria provided, single submitter. Criteria: ACMG Guidelines, 2015. Collection method: clinical testing. Allele origin: germline.
Comment: Null variant in a gene where loss of function (LOF) is a known mechanism of disease.;Absent from controls (or at extremely low frequency if recessive) in Genome Aggregation Database.